The following is an entry in ClinVar:

ClinVar aggregate classification (germline): Pathogenic/Likely pathogenic. Review status: criteria provided, multiple submitters, no conflicts (2 of 4 stars). 2 submissions from 2 submitters: Pathogenic (1); Likely pathogenic (1). Last evaluated 2023-07-25.

Conditions:
Congenital anomalies of kidney and urinary tract syndrome with or without hearing loss, abnormal ears, or developmental delay. Also called: Congenital Anomalies of the Kidney and Urinary Tract syndrome with or without Hearing Loss, Abnormal Ears, or Developmental Delay. Identifiers: Orphanet 656130, MedGen C4539968, MONDO:0060549, OMIM 617641.

Allele frequency attached by ClinVar (database versions not stated): TOPMed below 0.00001.

Submissions (2):

GeneDx
Classification: Pathogenic. Last evaluated: 2023-07-25. Review status: criteria provided, single submitter. Criteria: GeneDx Variant Classification Process June 2021. Collection method: clinical testing. Allele origin: germline. Affected: yes.
Comment: Nonsense variant predicted to result in protein truncation or nonsense mediated decay in a gene for which loss-of-function is a known mechanism of disease; Not observed at significant frequency in large population cohorts (gnomAD); Has not been previously published as pathogenic or benign to our knowledge

3billion
Classification: Likely pathogenic for Congenital anomalies of kidney and urinary tract syndrome with or without hearing loss, abnormal ears, or developmental delay. Last evaluated: 2022-09-01. Review status: criteria provided, single submitter. Criteria: ACMG Guidelines, 2015. Collection method: clinical testing. Allele origin: germline. Affected: yes. Observed: 1 heterozygote.
Comment: The variant is not observed in the gnomAD v2.1.1 dataset. Stop-gained (nonsense) is predicted to result in a loss or disruption of normal protein function through nonsense-mediated decay (NMD) or protein truncation. Multiple pathogenic variants are reported downstream of the variant. Therefore, this variant is classified as Likely pathogenic according to the recommendation of ACMG/AMP guideline.

NM_002585.4(PBX1):c.277C>T (p.Arg93Ter)

Gene: PBX1 (PBX homeobox 1; plus strand). Cytogenetic location: 1q23.3.
Variant type: single nucleotide variant.
Coding change: c.277C>T on transcript NM_002585.4 (MANE Select); coding-DNA position 277, C replaced by T.
Protein change: p.Arg93Ter; replaces arginine 93 with a stop codon.
Molecular consequence: nonsense.
Genome position (GRCh38, 1-based): chr1:164,792,505, C>T. VCF-style: chr1-164792505-C-T. GRCh37 (hg19) VCF-style: chr1-164761742-C-T.
Other names: c.277C>T, p.Arg93Ter (NM_001204961.2, NM_001204963.2, NM_001353131.2); c.28C>T, p.Arg10Ter (NM_001353130.1); short protein forms R10*, R93*.
Identifiers: ClinVar variation 1705458 (VCV001705458.2), dbSNP rs1423937629, ClinGen allele CA343469651.